The following is an entry in ClinVar:

NM_013275.6(ANKRD11):c.7776G>A (p.Gln2592=)

Gene: ANKRD11 (ankyrin repeat domain 11; minus strand). Cytogenetic location: 16q24.3.
Variant type: single nucleotide variant.
Coding change: c.7776G>A on transcript NM_013275.6 (MANE Select); coding-DNA position 7776, G replaced by A.
Protein change: p.Gln2592=; no amino-acid change (glutamine 2592 retained).
Molecular consequence: synonymous variant.
Genome position (GRCh38, 1-based): chr16:89,270,847, C>T on the plus strand (G>A on the coding strand, the complement: ANKRD11 is on the minus strand). VCF-style: chr16-89270847-C-T. GRCh37 (hg19) VCF-style: chr16-89337255-C-T.
Other names: c.7776G>A, p.Gln2592= (NM_001256182.2, NM_001256183.2); c.7776G>A (NM_013275.5).
Identifiers: ClinVar variation 1760564 (VCV001760564.8), dbSNP rs200251122, ClinGen allele CA8241016.

ClinVar aggregate classification (germline): Likely benign. Review status: criteria provided, multiple submitters, no conflicts (2 of 4 stars). 4 submissions from 4 submitters: Likely benign (3). 1 of the submissions does not count toward it. Last evaluated 2025-06-09.

Conditions:
KBG syndrome (KBGS). Also called: ANKRD11-Related KBG Syndrome. Identifiers: Orphanet 2332, MedGen C0220687, MONDO:0007846, OMIM 148050.
ANKRD11-related disorder. Also called: ANKRD11-related condition.
Inborn genetic diseases. Identifiers: MedGen C0950123, MeSH D030342.

Allele frequency attached by ClinVar (database versions not stated): ExAC 0.00004; TOPMed 0.00006; gnomAD 0.00008; gnomAD exomes 0.00008; 1000 Genomes Project 30x 0.00016; 1000 Genomes Project 0.00020; ESP Exome Variant Server 0.00023.
gnomAD v4.1: 128 of 1,614,094 alleles (0.0079%); highest among the groups gnomAD compares: Non-Finnish European, 0.01%; no homozygotes.

Submissions (4):

Labcorp Genetics (formerly Invitae), Labcorp
Classification: Likely benign for KBG syndrome. Last evaluated: 2025-06-09. Review status: criteria provided, single submitter. Criteria: Invitae Variant Classification Sherloc (09022015). Collection method: clinical testing. Allele origin: germline.

Blueprint Genetics
Classification: Likely benign. Last evaluated: 2023-02-16. Review status: criteria provided, single submitter. Criteria: ACMG Guidelines, 2015. Collection method: clinical testing. Allele origin: germline.

Ambry Genetics
Classification: Likely benign for Inborn genetic diseases. Last evaluated: 2018-06-21. Review status: criteria provided, single submitter. Criteria: Ambry Variant Classification Scheme 2023. Collection method: clinical testing. Allele origin: germline.

PreventionGenetics, part of Exact Sciences
Classification: Likely benign for ANKRD11-related condition. Last evaluated: 2022-06-13. Review status: no assertion criteria provided. Collection method: clinical testing. Allele origin: germline. Not counted in ClinVar's aggregate classification.
Comment: This variant is classified as likely benign based on ACMG/AMP sequence variant interpretation guidelines (Richards et al. 2015 PMID: 25741868, with internal and published modifications).